The following is an entry in ClinVar:

NM_174936.4(PCSK9):c.634_644del (p.Asp212fs)

Gene: PCSK9 (proprotein convertase subtilisin/kexin type 9; plus strand). Cytogenetic location: 1p32.3.
Variant type: Deletion.
Coding change: c.634_644del on transcript NM_174936.4 (MANE Select); coding-DNA positions 634 to 644, 11 bases deleted (GACGGGACCCG).
Protein change: p.Asp212fs; shifts the reading frame from aspartic acid 212.
Molecular consequence: frameshift variant.
Genome position (GRCh38, 1-based): chr1:55,052,388-55,052,398, GACGGGACCCG deleted; deleting any 11 consecutive bases within chr1:55,052,387-55,052,398 gives the same sequence; the c. name uses the placement nearest the transcript's 3' end. VCF-style (leftmost placement, unchanged base first): chr1-55052386-AGGACGGGACCC-A. GRCh37 (hg19) VCF-style: chr1-55518059-AGGACGGGACCC-A.
Other names: c.757_767delGACGGGACCCG, p.Asp253Leufs (NM_001407240.1); c.634_644delGACGGGACCCG, p.Asp212Leufs (NM_001407241.1, NM_001407242.1, NM_001407244.1 and 2 more transcripts); c.577_587delGACGGGACCCG, p.Asp193Leufs (NM_001407243.1); c.442_452delGACGGGACCCG, p.Asp148Leufs (NM_001407245.1); c.259_269delGACGGGACCCG, p.Asp87Leufs (NM_001407246.1); short protein forms D212fs.
Identifiers: ClinVar variation 920209 (VCV000920209.4), dbSNP rs1644681304, ClinGen allele CA913187520.

ClinVar aggregate classification (germline): Likely benign. Review status: criteria provided, multiple submitters, no conflicts (2 of 4 stars). 2 submissions from 2 submitters: Likely benign (2). Last evaluated 2023-09-17.

Conditions:
Familial hypercholesterolemia. Also called: Familial hypercholesterolemias; Familial hypercholesterolaemia. Identifiers: MedGen C0020445, MONDO:0005439.
Hypercholesterolemia, autosomal dominant, 3 (FHCL3). Also called: Familial hypercholesterolemia 3; Familial Hypercholesterolemia, Autosomal Dominant, 3; PCSK9-Related Familial Hypercholesterolemia, Autosomal Dominant. Identifiers: MedGen C1863551, MONDO:0011369, OMIM 603776.

Submissions (2):

All of Us Research Program, National Institutes of Health
Classification: Likely benign for Hypercholesterolemia, autosomal dominant, 3. Last evaluated: 2023-09-17. Review status: criteria provided, single submitter. Criteria: ACMG Guidelines, 2015. Collection method: clinical testing. Allele origin: germline. Inheritance: Autosomal dominant inheritance. Observed: 1 variant allele, 1 heterozygote.
Comment: This study involves interpretation of variants in research participants for the purpose of population health screening. Participant phenotype was not available at the time of variant classification. Additional details can be found in publication PMID: 35346344, PMCID: PMC8962531

Color Diagnostics, LLC DBA Color Health
Classification: Likely benign for Familial hypercholesterolemia. Last evaluated: 2019-01-08. Review status: criteria provided, single submitter. Criteria: ACMG Guidelines, 2015. Collection method: clinical testing. Allele origin: germline.